The following is an entry in ClinVar:

ClinVar aggregate classification (germline): Conflicting classifications of pathogenicity. Review status: criteria provided, conflicting classifications (1 of 4 stars). 5 submissions from 4 submitters: Uncertain significance (2); Likely benign (2). 1 of the submissions does not count toward it. Last evaluated 2026-01-19.

Conditions:
Glycogen storage disease, type IV (GSD4). Also called: GBE1 DEFICIENCY; GLYCOGEN BRANCHING ENZYME DEFICIENCY; GLYCOGENOSIS IV; GSD IV; Glycogen storage disease due to glycogen branching enzyme deficiency; AMYLOPECTINOSIS. Identifiers: Orphanet 367, MedGen C0017923, MONDO:0009292, OMIM 232500.
Adult polyglucosan body disease (APBN). Also called: GBE1-Adult Polyglucosan Body Disease; POLYGLUCOSAN BODY DISEASE, ADULT FORM. Identifiers: Orphanet 206583, MedGen C1849722, MONDO:0009897, OMIM 263570.
Glycogen storage disease IV, classic hepatic. Also called: GSD IV, CLASSIC HEPATIC. Identifiers: MedGen C1856301.

Allele frequency attached by ClinVar (database versions not stated): gnomAD below 0.00001 and 0.00003; gnomAD exomes 0.00001; ExAC 0.00002; TOPMed 0.00002; 1000 Genomes Project 30x 0.00016; 1000 Genomes Project 0.00020.
gnomAD v4.1: 26 of 1,611,602 alleles (0.0016%); highest among the groups gnomAD compares: South Asian, 0.011%; no homozygotes.

Submissions (5):

Labcorp Genetics (formerly Invitae), Labcorp
Classification: Likely benign for Glycogen storage disease, type IV; Glycogen storage disease IV, classic hepatic. Last evaluated: 2026-01-19. Review status: criteria provided, single submitter. Criteria: Invitae Variant Classification Sherloc (09022015). Collection method: clinical testing. Allele origin: germline.

Mayo Clinic Laboratories, Mayo Clinic
Classification: Likely benign. Last evaluated: 2025-07-23. Review status: criteria provided, single submitter. Criteria: ACMG Guidelines, 2015. Collection method: clinical testing. Allele origin: germline. Observed: 1 variant allele.
Comment: BP4, BP7

Illumina Laboratory Services, Illumina
Classification: Uncertain significance for Adult polyglucosan body disease. Last evaluated: 2018-01-13. Review status: criteria provided, single submitter. Criteria: ICSL Variant Classification Criteria 13 December 2019. Collection method: clinical testing. Allele origin: germline.

Illumina Laboratory Services, Illumina
Classification: Uncertain significance for Glycogen storage disease, type IV. Last evaluated: 2018-01-13. Review status: criteria provided, single submitter. Criteria: ICSL Variant Classification Criteria 13 December 2019. Collection method: clinical testing. Allele origin: germline.

Natera, Inc.
Classification: Likely benign for Glycogen storage disease type IV. Last evaluated: 2020-04-22. Review status: no assertion criteria provided. Collection method: clinical testing. Allele origin: germline. Not counted in ClinVar's aggregate classification.

NM_000158.4(GBE1):c.969T>C (p.Asp323=)

Gene: GBE1 (1,4-alpha-glucan branching enzyme 1; minus strand). Cytogenetic location: 3p12.2.
Variant type: single nucleotide variant.
Coding change: c.969T>C on transcript NM_000158.4 (MANE Select); coding-DNA position 969, T replaced by C.
Protein change: p.Asp323=; no amino-acid change (aspartic acid 323 retained).
Molecular consequence: synonymous variant.
Genome position (GRCh38, 1-based): chr3:81,642,804, A>G on the plus strand (T>C on the coding strand, the complement: GBE1 is on the minus strand). VCF-style: chr3-81642804-A-G. GRCh37 (hg19) VCF-style: chr3-81691955-A-G.
Other names: p.Asp323=.
Identifiers: ClinVar variation 756651 (VCV000756651.15), dbSNP rs555689284, ClinGen allele CA2499830.
Genomic context (GRCh38, chr3:81,642,804, plus strand): 5'-CAACAATAGAAAACATTTCTATATTGTATGTACCTACCTGGAGTAGGCAAACAATCTGCT[A>G]TCCCAAAGATCATGAGTCCCTCTAGGTCCAGAATGAAAATAACAGGAATCTGTCCCATCA-3'
Protein context (NP_000149.4, residues 313-333): SGPRGTHDLW[Asp323=]SRLFAYSSWE